The following is an entry in ClinVar:

ClinVar aggregate classification (germline): Likely benign. Review status: criteria provided, single submitter (1 of 4 stars). 2 submissions from 2 submitters: Likely benign (1). 1 of the submissions does not count toward it. Last evaluated 2023-07-26.

Conditions:
AGBL1-related disorder. Also called: AGBL1-related condition.

Allele frequency attached by ClinVar (database versions not stated): gnomAD exomes 0.00001; TOPMed 0.00003; gnomAD 0.00005; ExAC 0.00006.
gnomAD v4.1: 13 of 1,578,876 alleles (0.00082%); highest among the groups gnomAD compares: Admixed American, 0.013%; no homozygotes.

Submissions (2):

Blueprint Genetics
Classification: Likely benign. Last evaluated: 2023-07-26. Review status: criteria provided, single submitter. Criteria: ACMG Guidelines, 2015. Collection method: clinical testing. Allele origin: germline.

PreventionGenetics, part of Exact Sciences
Classification: Likely benign for AGBL1-related condition. Last evaluated: 2019-05-09. Review status: no assertion criteria provided. Collection method: clinical testing. Allele origin: germline. Not counted in ClinVar's aggregate classification.
Comment: This variant is classified as likely benign based on ACMG/AMP sequence variant interpretation guidelines (Richards et al. 2015 PMID: 25741868, with internal and published modifications).

NM_001386094.1(AGBL1):c.1686T>C (p.Asp562=)

Gene: AGBL1 (AGBL carboxypeptidase 1; plus strand). Cytogenetic location: 15q25.3.
Variant type: single nucleotide variant.
Coding change: c.1686T>C on transcript NM_001386094.1 (MANE Select); coding-DNA position 1686, T replaced by C.
Protein change: p.Asp562=; no amino-acid change (aspartic acid 562 retained).
Molecular consequence: synonymous variant.
Genome position (GRCh38, 1-based): chr15:86,266,392, T>C. VCF-style: chr15-86266392-T-C. GRCh37 (hg19) VCF-style: chr15-86809623-T-C.
Other names: c.1686T>C, p.Asp562= (NM_152336.4).
Identifiers: ClinVar variation 3037979 (VCV003037979.3), dbSNP rs762142221, ClinGen allele CA7715804.